The following is an entry in ClinVar:

ClinVar aggregate classification (germline): Pathogenic/Likely pathogenic. Review status: criteria provided, multiple submitters, no conflicts (2 of 4 stars). 5 submissions from 5 submitters: Pathogenic (3); Likely pathogenic (2). Last evaluated 2025-07-16.

Conditions:
Propionic acidemia (PROP). Also called: GLYCINEMIA, KETOTIC; HYPERGLYCINEMIA WITH KETOACIDOSIS AND LEUKOPENIA; KETOTIC HYPERGLYCINEMIA. Identifiers: Orphanet 35, MedGen C0268579, MONDO:0011628, OMIM 606054, HP:0003571.

Submissions (5):

Myriad Genetics, Inc.
Classification: Pathogenic for Propionic acidemia. Last evaluated: 2025-07-16. Review status: criteria provided, single submitter. Criteria: Myriad Autosomal Dominant, Autosomal Recessive and X-Linked Classification Criteria (2023). Collection method: clinical testing. Allele origin: unknown.
Comment: NM_000532.4(PCCB):c.1582C>T(Q528*) is a nonsense variant classified as pathogenic in the context of PCCB-related propionic acidemia. Q528* has not been observed in cases with relevant disease. Relevant functional assessments of this variant are not available in the literature. Q528* has not been observed in referenced population frequency databases. In summary, NM_000532.4(PCCB):c.1582C>T(Q528*) is a nonsense variant in a gene where loss of function is a known mechanism of disease and is predicted to disrupt protein function. Please note: this variant was assessed in the context of healthy population screening.

Natera, Inc.
Classification: Likely pathogenic for Propionic acidemia. Last evaluated: 2024-12-30. Review status: criteria provided, single submitter. Criteria: Natera Variant Classification Schema (03/2026). Collection method: clinical testing. Allele origin: germline.
Comment: The c.1582C>T variant in PCCB is a nonsense variant predicted to introduce a stop codon at amino acid 528. This variant is expected to result in nonsense mediated decay, truncation, or a dysfunctional protein product. This variant is rare in the general population with a frequency below the threshold expected for the associated phenotype(s). Given the available evidence, this variant is classified as Likely Pathogenic.

Women's Health and Genetics/Laboratory Corporation of America, LabCorp
Classification: Pathogenic for Propionic acidemia. Last evaluated: 2024-01-11. Review status: criteria provided, single submitter. Criteria: LabCorp Variant Classification Summary - May 2015. Collection method: clinical testing. Allele origin: germline.
Comment: Variant summary: PCCB c.1582C>T (p.Gln528X) results in a premature termination codon and although it is not predicted to result in absence of the protein due to nonsense mediated decay, it is expected to cause a truncation of the encoded protein, which is a commonly known mechanism for disease. At least one variant downstream of this position has been classified as pathogenic by our laboratory and others in ClinVar (Variation ID: 38881). c.1582C>T was absent in 251294 control chromosomes (gnomAD). To our knowledge, no occurrence of c.1582C>T in individuals affected with Propionic Acidemia and no experimental evidence demonstrating its impact on protein function have been reported. ClinVar contains an entry for this variant (Variation ID: 1438951). Based on the evidence outlined above, the variant was classified as pathogenic.

Baylor Genetics
Classification: Likely pathogenic for Propionic acidemia. Last evaluated: 2023-12-20. Review status: criteria provided, single submitter. Criteria: ACMG Guidelines, 2015. Collection method: clinical testing. Allele origin: unknown.

Labcorp Genetics (formerly Invitae), Labcorp
Classification: Pathogenic for Propionic acidemia. Last evaluated: 2021-04-09. Review status: criteria provided, single submitter. Criteria: Invitae Variant Classification Sherloc (09022015). Collection method: clinical testing. Allele origin: germline.
Comment: This variant has been observed in individual(s) with propionic acidemia (Invitae). For these reasons, this variant has been classified as Pathogenic. This variant disrupts the p.Asn536 amino acid residue in PCCB. Other variant(s) that disrupt this residue have been determined to be pathogenic (PMID: 22033733, 23053474, 12757933, 12888983, 28649556, 30013935, 11136555, 12007220). This suggests that this residue is clinically significant, and that variants that disrupt this residue are likely to be disease-causing. This variant is not present in population databases (ExAC no frequency). This sequence change creates a premature translational stop signal (p.Gln528*) in the PCCB gene. While this is not anticipated to result in nonsense mediated decay, it is expected to disrupt the last 12 amino acid(s) of the PCCB protein.

Literature cited by the submitters: PubMed 22033733 (cited by Labcorp Genetics (formerly Invitae), Labcorp); PubMed 23053474 (cited by Labcorp Genetics (formerly Invitae), Labcorp); PubMed 12757933 (cited by Labcorp Genetics (formerly Invitae), Labcorp); PubMed 12888983 (cited by Labcorp Genetics (formerly Invitae), Labcorp); PubMed 28649556 (cited by Labcorp Genetics (formerly Invitae), Labcorp); PubMed 30013935 (cited by Labcorp Genetics (formerly Invitae), Labcorp); PubMed 11136555 (cited by Labcorp Genetics (formerly Invitae), Labcorp); PubMed 12007220 (cited by Labcorp Genetics (formerly Invitae), Labcorp).

NM_000532.5(PCCB):c.1582C>T (p.Gln528Ter)

Gene: PCCB (propionyl-CoA carboxylase subunit beta; plus strand). Cytogenetic location: 3q22.3.
Variant type: single nucleotide variant.
Coding change: c.1582C>T on transcript NM_000532.5 (MANE Select); coding-DNA position 1582, C replaced by T.
Protein change: p.Gln528Ter; replaces glutamine 528 with a stop codon.
Molecular consequence: nonsense.
Genome position (GRCh38, 1-based): chr3:136,329,988, C>T. VCF-style: chr3-136329988-C-T. GRCh37 (hg19) VCF-style: chr3-136048830-C-T.
Other names: c.1642C>T, p.Gln548Ter (NM_001178014.2); c.1582C>T (NM_000532.4); short protein forms Q528*, Q548*.
Identifiers: ClinVar variation 1438951 (VCV001438951.12), dbSNP rs1935482553, ClinGen allele CA354650233.